The following is an entry in ClinVar:

NM_006308.3(HSPB3):c.275G>A (p.Gly92Asp)

Gene: HSPB3 (heat shock protein family B (small) member 3; plus strand). Cytogenetic location: 5q11.2.
Variant type: single nucleotide variant.
Coding change: c.275G>A on transcript NM_006308.3 (MANE Select); coding-DNA position 275, G replaced by A.
Protein change: p.Gly92Asp; replaces glycine 92 with aspartic acid.
Molecular consequence: missense variant.
Genome position (GRCh38, 1-based): chr5:54,456,064, G>A. VCF-style: chr5-54456064-G-A. GRCh37 (hg19) VCF-style: chr5-53751894-G-A.
Other names: short protein forms G92D.
Identifiers: ClinVar variation 1472112 (VCV001472112.8), dbSNP rs777949955, ClinGen allele CA359797482.

ClinVar aggregate classification (germline): Uncertain significance (1 of 4 stars; one submission).

Conditions:
Neuronopathy, distal hereditary motor, type 2C. Also called: HMN IIC; NEUROPATHY, DISTAL HEREDITARY MOTOR, AUTOSOMAL DOMINANT 4; NEURONOPATHY, DISTAL HEREDITARY MOTOR, HARDING TYPE IIC; NEUROPATHY, DISTAL HEREDITARY MOTOR, HARDING TYPE IIC. Identifiers: Orphanet 139525, MedGen C3150619, MONDO:0013243, OMIM 613376.

Submission:

Labcorp Genetics (formerly Invitae), Labcorp
Classification: Uncertain significance for Neuronopathy, distal hereditary motor, type 2C. Last evaluated: 2020-12-25. Review status: criteria provided, single submitter. Criteria: Invitae Variant Classification Sherloc (09022015). Collection method: clinical testing. Allele origin: germline.
Comment: This sequence change replaces glycine with aspartic acid at codon 92 of the HSPB3 protein (p.Gly92Asp). The glycine residue is highly conserved and there is a moderate physicochemical difference between glycine and aspartic acid. This variant is not present in population databases (ExAC no frequency). In summary, the available evidence is currently insufficient to determine the role of this variant in disease. Therefore, it has been classified as a Variant of Uncertain Significance. Algorithms developed to predict the effect of missense changes on protein structure and function (SIFT, PolyPhen-2, Align-GVGD) all suggest that this variant is likely to be disruptive, but these predictions have not been confirmed by published functional studies and their clinical significance is uncertain. This variant has not been reported in the literature in individuals with HSPB3-related conditions.